The following is an entry in ClinVar:

ClinVar aggregate classification (germline): Pathogenic (1 of 4 stars; one submission).

Conditions:
Cornelia de Lange syndrome 1 (CDLS1). Also called: Brachmann de Lange syndrome; NIPBL-Related Cornelia de Lange Syndrome; TYPUS DEGENERATIVUS AMSTELODAMENSIS. Identifiers: Orphanet 199, MedGen C4551851, MONDO:0007387, OMIM 122470.

Submission:

Labcorp Genetics (formerly Invitae), Labcorp
Classification: Pathogenic for Cornelia de Lange syndrome 1. Last evaluated: 2024-06-16. Review status: criteria provided, single submitter. Criteria: Invitae Variant Classification Sherloc (09022015). Collection method: clinical testing. Allele origin: germline.
Comment: This sequence change creates a premature translational stop signal (p.Ala267Metfs*7) in the NIPBL gene. It is expected to result in an absent or disrupted protein product. Loss-of-function variants in NIPBL are known to be pathogenic (PMID: 15318302, 19763162, 23505322, 29995837). This variant is not present in population databases (gnomAD no frequency). This variant has not been reported in the literature in individuals affected with NIPBL-related conditions. For these reasons, this variant has been classified as Pathogenic.

Literature cited by the submitters: PubMed 15318302; PubMed 19763162; PubMed 23505322; PubMed 29995837.

NM_133433.4(NIPBL):c.797_798dup (p.Ala267fs)

Gene: NIPBL (NIPBL cohesin loading factor; plus strand). Cytogenetic location: 5p13.2.
Variant type: Duplication.
Coding change: c.797_798dup on transcript NM_133433.4 (MANE Select); coding-DNA positions 797 to 798, 2 bases duplicated (AT; older notation c.797_798dupAT).
Protein change: p.Ala267fs; shifts the reading frame from alanine 267.
Molecular consequence: frameshift variant.
Genome position (GRCh38, 1-based): chr5:36,971,970-36,971,971, AT duplicated. VCF-style (leftmost placement, unchanged base first): chr5-36971969-A-AAT. GRCh37 (hg19) VCF-style: chr5-36972071-A-AAT.
Other names: c.797_798dup, p.Ala267fs (NM_015384.5); short protein forms A267fs.
Identifiers: ClinVar variation 3656788 (VCV003656788.2).